The following is an entry in ClinVar:

ClinVar aggregate classification (germline): Likely pathogenic (1 of 4 stars; one submission).

Conditions:
Cornelia de Lange syndrome 4 (CDLS4). Also called: RAD21-Related Cornelia de Lange Syndrome; CORNELIA DE LANGE SYNDROME 4 WITH OR WITHOUT MIDLINE BRAIN DEFECTS. Identifiers: Orphanet 199, MedGen C3553517, MONDO:0013864, OMIM 614701.

gnomAD v4.1: 1 of 1,579,572 alleles (0.000063%); highest among the groups gnomAD compares: Non-Finnish European, 0.000086%; no homozygotes.

Submission:

Molecular Genetics Laboratory, Motol Hospital
Classification: Likely pathogenic for Cornelia de Lange syndrome 4. Last evaluated: 2024-11-07. Review status: criteria provided, single submitter. Criteria: ACMG Guidelines, 2015. Collection method: clinical testing. Allele origin: germline. Affected: yes. Observed: 1 variant allele.
Comment: The segregation molecular genetic analysis in his parents was not performed. The relevant medical/scientific publications report on pathogenic RAD21 gene variants as a molecular cause of CDLS (PMID:22633399;32193685;24378232). This novel variant correlates with the clinical manifestation of CDLS. To conclude, the variant is classified as likely pathogenic (ACMG PVS1, PM2).

Literature cited by the submitters: PubMed 22633399; PubMed 32193685; PubMed 24378232.

NM_006265.3(RAD21):c.877C>T (p.Gln293Ter)

Gene: RAD21 (RAD21 cohesin complex component; minus strand). Cytogenetic location: 8q24.11.
Variant type: single nucleotide variant.
Coding change: c.877C>T on transcript NM_006265.3 (MANE Select); coding-DNA position 877, C replaced by T.
Protein change: p.Gln293Ter; replaces glutamine 293 with a stop codon.
Molecular consequence: nonsense.
Genome position (GRCh38, 1-based): chr8:116,856,226, G>A on the plus strand (C>T on the coding strand, the complement: RAD21 is on the minus strand). VCF-style: chr8-116856226-G-A. GRCh37 (hg19) VCF-style: chr8-117868465-G-A.
Other names: short protein forms Q293*.
Identifiers: ClinVar variation 3374737 (VCV003374737.2).